The following is an entry in ClinVar:

ClinVar aggregate classification (germline): Uncertain significance (1 of 4 stars; one submission).

Conditions:
Arterial tortuosity syndrome (ATORS). Identifiers: Orphanet 3342, MedGen C1859726, MONDO:0008818, OMIM 208050.

Submission:

Labcorp Genetics (formerly Invitae), Labcorp
Classification: Uncertain significance for Arterial tortuosity syndrome. Last evaluated: 2022-01-15. Review status: criteria provided, single submitter. Criteria: Invitae Variant Classification Sherloc (09022015). Collection method: clinical testing. Allele origin: germline.
Comment: In summary, the available evidence is currently insufficient to determine the role of this variant in disease. Therefore, it has been classified as a Variant of Uncertain Significance. Advanced modeling of protein sequence and biophysical properties (such as structural, functional, and spatial information, amino acid conservation, physicochemical variation, residue mobility, and thermodynamic stability) performed at Invitae indicates that this missense variant is not expected to disrupt SLC2A10 protein function. This variant has not been reported in the literature in individuals affected with SLC2A10-related conditions. This variant is not present in population databases (gnomAD no frequency). This sequence change replaces isoleucine, which is neutral and non-polar, with serine, which is neutral and polar, at codon 535 of the SLC2A10 protein (p.Ile535Ser).

NM_030777.4(SLC2A10):c.1604T>G (p.Ile535Ser)

Gene: SLC2A10 (solute carrier family 2 member 10; plus strand). Cytogenetic location: 20q13.12.
Variant type: single nucleotide variant.
Coding change: c.1604T>G on transcript NM_030777.4 (MANE Select); coding-DNA position 1604, T replaced by G.
Protein change: p.Ile535Ser; replaces isoleucine 535 with serine.
Molecular consequence: missense variant.
Genome position (GRCh38, 1-based): chr20:46,733,812, T>G. VCF-style: chr20-46733812-T-G. GRCh37 (hg19) VCF-style: chr20-45362451-T-G.
Other names: short protein forms I535S.
Identifiers: ClinVar variation 1386382 (VCV001386382.6), dbSNP rs2123074423, ClinGen allele CA409274853.
Genomic context (GRCh38, chr20:46,733,812, plus strand): 5'-ACAGGTTCACCCTGAGCTTTGGCCACAGGCAGAACTCCACTGGCATCCCGTACAGCCGCA[T>G]CGAGATCTCTGCGGCCTCCTGAGGAATCCGTCTGCCTGGAAATTCTGGAACTGTGGCTTT-3'
Protein context (NP_110404.1, residues 525-541): QNSTGIPYSR[Ile535Ser]EISAAS